The following is an entry in ClinVar:

NM_004519.4(KCNQ3):c.1522A>G (p.Ile508Val)

Gene: KCNQ3 (potassium voltage-gated channel subfamily Q member 3; minus strand). Cytogenetic location: 8q24.22.
Variant type: single nucleotide variant.
Coding change: c.1522A>G on transcript NM_004519.4 (MANE Select); coding-DNA position 1522, A replaced by G.
Protein change: p.Ile508Val; replaces isoleucine 508 with valine.
Molecular consequence: missense variant.
Genome position (GRCh38, 1-based): chr8:132,140,122, T>C on the plus strand (A>G on the coding strand, the complement: KCNQ3 is on the minus strand). VCF-style: chr8-132140122-T-C. GRCh37 (hg19) VCF-style: chr8-133152369-T-C.
Other names: c.1162A>G, p.Ile388Val (NM_001204824.2); short protein forms I388V, I508V.
Identifiers: ClinVar variation 2904578 (VCV002904578.3), dbSNP rs1189606083, ClinGen allele CA372219651.

ClinVar aggregate classification (germline): Uncertain significance (1 of 4 stars; one submission).

Conditions:
Benign neonatal seizures. Also called: Benign familial neonatal seizures; Benign neonatal familial convulsions; Benign familial neonatal epilepsy; Convulsions benign familial neonatal dominant form; Autosomal dominant form of benign neonatal seizures. Identifiers: Orphanet 1949, MedGen C0220669, MONDO:0016027.

Allele frequency attached by ClinVar (database versions not stated): TOPMed below 0.00001; gnomAD 0.00001; gnomAD exomes 0.00001.
gnomAD v4.1: 17 of 1,612,156 alleles (0.0011%); highest among the groups gnomAD compares: Non-Finnish European, 0.0014%; no homozygotes.

Submission:

Labcorp Genetics (formerly Invitae), Labcorp
Classification: Uncertain significance for Benign neonatal seizures. Last evaluated: 2024-08-28. Review status: criteria provided, single submitter. Criteria: Invitae Variant Classification Sherloc (09022015). Collection method: clinical testing. Allele origin: germline.
Comment: This sequence change replaces isoleucine, which is neutral and non-polar, with valine, which is neutral and non-polar, at codon 508 of the KCNQ3 protein (p.Ile508Val). This variant is present in population databases (no rsID available, gnomAD 0.0009%). This variant has not been reported in the literature in individuals affected with KCNQ3-related conditions. Invitae Evidence Modeling of protein sequence and biophysical properties (such as structural, functional, and spatial information, amino acid conservation, physicochemical variation, residue mobility, and thermodynamic stability) indicates that this missense variant is not expected to disrupt KCNQ3 protein function with a negative predictive value of 80%. In summary, the available evidence is currently insufficient to determine the role of this variant in disease. Therefore, it has been classified as a Variant of Uncertain Significance.